The following is an entry in ClinVar:

NM_001999.4(FBN2):c.628+118A>T

Gene: FBN2 (fibrillin 2; minus strand). Cytogenetic location: 5q23.3.
Variant type: single nucleotide variant.
Coding change: c.628+118A>T on transcript NM_001999.4 (MANE Select); 118 bases into the intron after coding-DNA position 628, A replaced by T.
Molecular consequence: intron variant.
Genome position (GRCh38, 1-based): chr5:128,519,155, T>A on the plus strand (A>T on the coding strand, the complement: FBN2 is on the minus strand). VCF-style: chr5-128519155-T-A. GRCh37 (hg19) VCF-style: chr5-127854848-T-A.
Identifiers: ClinVar variation 674264 (VCV000674264.1), dbSNP rs6886186, ClinGen allele CA15380541.

ClinVar aggregate classification (germline): Benign (1 of 4 stars; one submission).

Allele frequency attached by ClinVar (database versions not stated): gnomAD exomes 0.08636; gnomAD 0.15852 and 0.16131; TOPMed 0.16815; 1000 Genomes Project 0.19229; 1000 Genomes Project 30x 0.19972.
gnomAD v4.1: 77,801 of 772,820 alleles (10%); highest among the groups gnomAD compares: African/African-American, 38%; 7,081 homozygotes.

Submission:

GeneDx
Classification: Benign. Last evaluated: 2018-06-14. Review status: criteria provided, single submitter. Criteria: GeneDx Variant Classification (06012015). Collection method: clinical testing. Allele origin: germline. Affected: yes.
Comment: This variant is considered likely benign or benign based on one or more of the following criteria: it is a conservative change, it occurs at a poorly conserved position in the protein, it is predicted to be benign by multiple in silico algorithms, and/or has population frequency not consistent with disease.